The following is an entry in ClinVar:

ClinVar aggregate classification (germline): Likely benign (1 of 4 stars; one submission).

Submission:

CeGaT Center for Human Genetics Tuebingen
Classification: Likely benign. Last evaluated: 2026-05-01. Review status: criteria provided, single submitter. Criteria: CeGaT Center For Human Genetics Tuebingen Variant Classification Criteria Version 2. Collection method: clinical testing. Allele origin: germline. Affected: yes. Observed: 3 variant alleles.
Comment: UBC: BP4, BP7

NM_021009.7(UBC):c.504G>A (p.Glu168=)

Gene: UBC (ubiquitin C; minus strand). Cytogenetic location: 12q24.31.
Variant type: single nucleotide variant.
Coding change: c.504G>A on transcript NM_021009.7 (MANE Select); coding-DNA position 504, G replaced by A.
Protein change: p.Glu168=; no amino-acid change (glutamic acid 168 retained).
Molecular consequence: synonymous variant.
Genome position (GRCh38, 1-based): chr12:124,913,268, C>T on the plus strand (G>A on the coding strand, the complement: UBC is on the minus strand). VCF-style: chr12-124913268-C-T. GRCh37 (hg19) VCF-style: chr12-125397814-C-T.
Identifiers: ClinVar variation 4083977 (VCV004083977.8).
Genomic context (GRCh38, chr12:124,913,268, plus strand): 5'-AATGCCTTCCTTATCTTGGATCTTTGCCTTGACATTCTCGATGGTGTCACTGGGCTCCAC[C>T]TCGAGGGTGATGGTCTTACCAGTCAGGGTCTTCACGAAGATCTGCATCCCACCTCTGAGA-3'
Protein context (NP_066289.3, residues 158-178): KTLTGKTITL[Glu168=]VEPSDTIENV